The following is an entry in ClinVar:

ClinVar aggregate classification (germline): Conflicting classifications of pathogenicity. Review status: criteria provided, conflicting classifications (1 of 4 stars). 3 submissions from 3 submitters: Likely pathogenic (2); Uncertain significance (1). Last evaluated 2025-08-30.

Conditions:
Malignant hyperthermia, susceptibility to, 1 (MHS1). Also called: RYR1-Related Malignant Hyperthermia Susceptibility; Anesthesia related hyperthermia; Malignant hyperpyrexia; Fulminating hyperpyrexia; Pharmacogenic myopathy; Malignant hyperthermia suceptibility 1. Identifiers: Orphanet 423, MedGen C2930980, MONDO:0007783, OMIM 145600.
RYR1-related disorder. Also called: RYR1-related disorders; RYR1-related condition. Identifiers: MedGen CN239331.

Allele frequency attached by ClinVar (database versions not stated): gnomAD exomes below 0.00001; gnomAD 0.00001.
gnomAD v4.1: 4 of 1,613,658 alleles (0.00025%); highest among the groups gnomAD compares: Admixed American, 0.0033%; no homozygotes.

Submissions (3):

Labcorp Genetics (formerly Invitae), Labcorp
Classification: Likely pathogenic for RYR1-related disorder. Last evaluated: 2025-08-30. Review status: criteria provided, single submitter. Criteria: Invitae Variant Classification Sherloc (09022015). Collection method: clinical testing. Allele origin: germline.
Comment: This sequence change affects a donor splice site in intron 83 of the RYR1 gene. It is expected to disrupt RNA splicing. Variants that disrupt the donor or acceptor splice site typically lead to a loss of protein function (PMID: 16199547), and loss-of-function variants in RYR1 are known to be pathogenic (PMID: 23919265, 25960145, 28818389, 30611313). This variant is present in population databases (no rsID available, gnomAD 0.0009%). This variant has not been reported in the literature in individuals affected with RYR1-related conditions. ClinVar contains an entry for this variant (Variation ID: 658385). Algorithms developed to predict the effect of sequence changes on RNA splicing suggest that this variant may disrupt the consensus splice site. In summary, the currently available evidence indicates that the variant is pathogenic, but additional data are needed to prove that conclusively. Therefore, this variant has been classified as Likely Pathogenic.

GeneDx
Classification: Likely pathogenic. Last evaluated: 2024-08-12. Review status: criteria provided, single submitter. Criteria: GeneDx Variant Classification Process June 2021. Collection method: clinical testing. Allele origin: germline. Affected: yes.
Comment: Canonical splice site variant predicted to result in an in-frame loss of the adjacent exon in a gene for which loss of function is a known mechanism of disease; Not observed at significant frequency in large population cohorts (gnomAD); Deletions involving coding exons of this gene are a known mechanism of disease (HGMD); Has not been previously published as pathogenic or benign to our knowledge

All of Us Research Program, National Institutes of Health
Classification: Uncertain significance for Malignant hyperthermia, susceptibility to, 1. Last evaluated: 2023-12-13. Review status: criteria provided, single submitter. Criteria: ACMG Guidelines, 2015. Collection method: clinical testing. Allele origin: germline. Inheritance: Autosomal dominant inheritance. Observed: 1 variant allele, 1 heterozygote.
Comment: This variant causes a T to C nucleotide substitution at the +2 position of intron 83 of the RYR1 gene. Splice site prediction tools suggest that this variant may have a significant impact on RNA splicing. Although this prediction has not been confirmed in published RNA studies, this variant is expected to result in an absent or disrupted protein product. This variant has not been reported in individuals affected with RYR1-related disorders in the literature. This variant has been identified in 1/251080 chromosomes in the general population by the Genome Aggregation Database (gnomAD). Loss of RYR1 function due to truncation variants is not an established disease mechanism for autosomal dominant malignant hyperthermia, although it is associated with other phenotype(s) (ClinVar variation ID: 658385). Due to insufficient evidence, this variant is classified as a Variant of Uncertain Significance for autosomal dominant malignant hyperthermia.

This study involves interpretation of variants in research participants for the purpose of population health screening. Participant phenotype was not available at the time of variant classification. Additional details can be found in publication PMID: 35346344, PMCID: PMC8962531

Literature cited by the submitters: PubMed 16199547 (cited by Labcorp Genetics (formerly Invitae), Labcorp); PubMed 23919265 (cited by Labcorp Genetics (formerly Invitae), Labcorp); PubMed 25960145 (cited by Labcorp Genetics (formerly Invitae), Labcorp); PubMed 28818389 (cited by Labcorp Genetics (formerly Invitae), Labcorp); PubMed 30611313 (cited by Labcorp Genetics (formerly Invitae), Labcorp).

NM_000540.3(RYR1):c.11608+2T>C

Gene: RYR1 (ryanodine receptor 1; plus strand). Cytogenetic location: 19q13.2.
Variant type: single nucleotide variant.
Coding change: c.11608+2T>C on transcript NM_000540.3 (MANE Select); the canonical splice donor site of the intron after coding-DNA position 11608, T replaced by C.
Molecular consequence: splice donor variant.
Genome position (GRCh38, 1-based): chr19:38,536,769, T>C. VCF-style: chr19-38536769-T-C. GRCh37 (hg19) VCF-style: chr19-39027409-T-C.
Other names: c.11593+2T>C (NM_001042723.2).
Identifiers: ClinVar variation 658385 (VCV000658385.9), dbSNP rs1443083095, ClinGen allele CA405657688.